The following is an entry in ClinVar:

NM_001058.4(TACR1):c.1133C>T (p.Ser378Leu)

Gene: TACR1 (tachykinin receptor 1; minus strand). Cytogenetic location: 2p12.
Variant type: single nucleotide variant.
Coding change: c.1133C>T on transcript NM_001058.4 (MANE Select); coding-DNA position 1133, C replaced by T.
Protein change: p.Ser378Leu; replaces serine 378 with leucine.
Molecular consequence: missense variant.
Genome position (GRCh38, 1-based): chr2:75,049,523, G>A on the plus strand (C>T on the coding strand, the complement: TACR1 is on the minus strand). VCF-style: chr2-75049523-G-A. GRCh37 (hg19) VCF-style: chr2-75276650-G-A.
Other names: short protein forms S378L.
Identifiers: ClinVar variation 4592316 (VCV004592316.2).

ClinVar aggregate classification (germline): Conflicting classifications of pathogenicity. Review status: criteria provided, conflicting classifications (1 of 4 stars). 2 submissions from 2 submitters: Uncertain significance (1); Likely benign (1). Last evaluated 2025-09-21.

Conditions:
TACR1-related disorder. Also called: TACR1-related condition.

gnomAD v4.1: 246 of 1,614,180 alleles (0.015%); highest among the groups gnomAD compares: African/African-American, 0.26%; no homozygotes.

Submissions (2):

Ambry Genetics
Classification: Uncertain significance. Last evaluated: 2025-09-21. Review status: criteria provided, single submitter. Criteria: Ambry Variant Classification Scheme 2023. Collection method: clinical testing. Allele origin: germline.

PreventionGenetics, part of Exact Sciences
Classification: Likely benign for TACR1-related condition. Last evaluated: 2025-05-23. Review status: criteria provided, single submitter. Criteria: ACMG Guidelines, 2015. Collection method: clinical testing. Allele origin: germline.
Comment: This variant is classified as likely benign based on ACMG/AMP sequence variant interpretation guidelines (Richards et al. 2015 PMID: 25741868, with internal and published modifications).